The following is an entry in ClinVar:

ClinVar aggregate classification (germline): Uncertain significance. Review status: criteria provided, multiple submitters, no conflicts (2 of 4 stars). 3 submissions from 3 submitters: Uncertain significance (3). Last evaluated 2025-05-22.

Conditions:
Inborn genetic diseases. Identifiers: MedGen C0950123, MeSH D030342.
Epidermolysis bullosa simplex 5C, with pyloric atresia (EBS5C). Also called: PLEC1-Related Epidermolysis Bullosa with Pyloric Atresia; PLEC-Related Epidermolysis Bullosa with Pyloric Atresia; Epidermolysis bullosa simplex with pyloric atresia. Identifiers: Orphanet 158684, MedGen C2677349, MONDO:0012807, OMIM 612138.
Epidermolysis bullosa simplex with nail dystrophy (EBS5D). Identifiers: MedGen C4225309, MONDO:0014661, OMIM 616487.
Autosomal recessive limb-girdle muscular dystrophy type 2Q (LGMDR17). Also called: MUSCULAR DYSTROPHY, LIMB-GIRDLE, AUTOSOMAL RECESSIVE 17. Identifiers: Orphanet 254361, MedGen C3150989, MONDO:0013390, OMIM 613723.
Epidermolysis bullosa simplex 5B, with muscular dystrophy (EBS5B). Also called: Epidermolysis bullosa simplex with muscular dystrophy; EPIDERMOLYSIS BULLOSA SIMPLEX AND LIMB-GIRDLE MUSCULAR DYSTROPHY. Identifiers: Orphanet 257, MedGen C2931072, MONDO:0009181, OMIM 226670.
Epidermolysis bullosa simplex, Ogna type (EBS5A). Also called: Pidermolysis bullosa simplex 5A, Ogna type; EPIDERMOLYSIS BULLOSA SIMPLEX 5A, OGNA TYPE. Identifiers: Orphanet 79401, MedGen C0432317, MONDO:0007555, OMIM 131950.

Allele frequency attached by ClinVar (database versions not stated): TOPMed below 0.00001; gnomAD 0.00001; gnomAD exomes 0.00002 and 0.00005; ExAC 0.00018.
gnomAD v4.1: 25 of 1,538,890 alleles (0.0016%); highest among the groups gnomAD compares: South Asian, 0.0094%; no homozygotes.

Submissions (3):

Revvity Omics, Revvity
Classification: Uncertain significance. Last evaluated: 2025-05-22. Review status: criteria provided, single submitter. Criteria: ACMG Guidelines, 2015. Collection method: clinical testing. Allele origin: germline.

Ambry Genetics
Classification: Uncertain significance for Inborn genetic diseases. Last evaluated: 2024-02-26. Review status: criteria provided, single submitter. Criteria: Ambry Variant Classification Scheme 2023. Collection method: clinical testing. Allele origin: germline.

Labcorp Genetics (formerly Invitae), Labcorp
Classification: Uncertain significance for Autosomal recessive limb-girdle muscular dystrophy type 2Q; Epidermolysis bullosa simplex, Ogna type; Epidermolysis bullosa simplex with nail dystrophy; Epidermolysis bullosa simplex 5C, with pyloric atresia; Epidermolysis bullosa simplex 5B, with muscular dystrophy. Last evaluated: 2023-12-04. Review status: criteria provided, single submitter. Criteria: Invitae Variant Classification Sherloc (09022015). Collection method: clinical testing. Allele origin: germline.
Comment: This sequence change replaces glutamic acid, which is acidic and polar, with lysine, which is basic and polar, at codon 1828 of the PLEC protein (p.Glu1828Lys). This variant is present in population databases (rs782629559, gnomAD 0.02%). This variant has not been reported in the literature in individuals affected with PLEC-related conditions. ClinVar contains an entry for this variant (Variation ID: 578401). Experimental studies and prediction algorithms are not available or were not evaluated, and the functional significance of this variant is currently unknown. In summary, the available evidence is currently insufficient to determine the role of this variant in disease. Therefore, it has been classified as a Variant of Uncertain Significance.

NM_201384.3(PLEC):c.5401G>A (p.Glu1801Lys)

Gene: PLEC (plectin; minus strand). Cytogenetic location: 8q24.3.
Variant type: single nucleotide variant.
Coding change: c.5401G>A on transcript NM_201384.3 (MANE Select); coding-DNA position 5401, G replaced by A.
Protein change: p.Glu1801Lys; replaces glutamic acid 1801 with lysine.
Molecular consequence: missense variant.
Genome position (GRCh38, 1-based): chr8:143,924,528, C>T on the plus strand (G>A on the coding strand, the complement: PLEC is on the minus strand). VCF-style: chr8-143924528-C-T. GRCh37 (hg19) VCF-style: chr8-144998696-C-T.
Other names: c.5482G>A, p.Glu1828Lys (NM_000445.5); c.5305G>A, p.Glu1769Lys (NM_201381.3); c.5401G>A, p.Glu1801Lys (NM_201382.4); c.5413G>A, p.Glu1805Lys (NM_201383.3); c.5359G>A, p.Glu1787Lys (NM_201378.4); c.5335G>A, p.Glu1779Lys (NM_201379.3); c.5812G>A, p.Glu1938Lys (NM_201380.4); c.5482G>A (NM_000445.3); short protein forms E1787K, E1828K, E1938K, E1769K, E1779K, E1801K, E1805K.
Identifiers: ClinVar variation 578401 (VCV000578401.8), dbSNP rs782629559, ClinGen allele CA4926374.